The following is an entry in ClinVar:

ClinVar aggregate classification (germline): Uncertain significance (1 of 4 stars; one submission).

Conditions:
Inborn genetic diseases. Identifiers: MedGen C0950123, MeSH D030342.

Submission:

Ambry Genetics
Classification: Uncertain significance for Inborn genetic diseases. Last evaluated: 2024-01-28. Review status: criteria provided, single submitter. Criteria: Ambry Variant Classification Scheme 2023. Collection method: clinical testing. Allele origin: germline.
Comment: The p.L62H variant (also known as c.185T>A), located in coding exon 1 of the ACD gene, results from a T to A substitution at nucleotide position 185. The leucine at codon 62 is replaced by histidine, an amino acid with similar properties. This amino acid position is conserved. In addition, this alteration is predicted to be tolerated by in silico analysis. Based on the available evidence, the clinical significance of this alteration remains unclear.

NM_001082486.1(ACD):c.185T>A (p.Leu62His)

Gene: ACD (ACD shelterin complex subunit and telomerase recruitment factor; minus strand). Cytogenetic location: 16q22.1.
Variant type: single nucleotide variant.
Coding change: c.185T>A on transcript NM_001082486.1; coding-DNA position 185, T replaced by A.
Protein change: p.Leu62His; replaces leucine 62 with histidine.
Genome position (GRCh38, 1-based): chr16:67,660,294, A>T on the plus strand (T>A on the coding strand, the complement: ACD is on the minus strand). VCF-style: chr16-67660294-A-T. GRCh37 (hg19) VCF-style: chr16-67694197-A-T.
Other names: short protein forms L62H.
Identifiers: ClinVar variation 3232654 (VCV003232654.1), dbSNP rs1373085952, ClinGen allele CA396359481.